The following is an entry in ClinVar:

NM_000179.3(MSH6):c.369A>T (p.Lys123Asn)

Gene: MSH6 (mutS homolog 6; plus strand). Cytogenetic location: 2p16.3.
Variant type: single nucleotide variant.
Coding change: c.369A>T on transcript NM_000179.3 (MANE Select); coding-DNA position 369, A replaced by T.
Protein change: p.Lys123Asn; replaces lysine 123 with asparagine.
Molecular consequence: missense variant. On other transcripts: 5 prime UTR variant (2), intron variant (1).
Genome position (GRCh38, 1-based): chr2:47,791,035, A>T. VCF-style: chr2-47791035-A-T. GRCh37 (hg19) VCF-style: chr2-48018174-A-T.
Other names: p.K123N:AAA>AAT; c.-534A>T (NM_001281494.2); c.237+7565A>T (NM_001281492.2); c.-368A>T (NM_001281493.2); short protein forms K123N.
Identifiers: ClinVar variation 141913 (VCV000141913.21), dbSNP rs587782106, ClinGen allele CA013907.
Genomic context (GRCh38, chr2:47,791,035, plus strand): 5'-CCCCTGGTGGCCTTGTCTGGTTTACAACCACCCCTTTGATGGAACATTCATCCGCGAGAA[A>T]GGGAAATCAGTCCGTGTTCATGTACAGTTTTTTGATGACAGCCCAACAAGGGGCTGGGTT-3'
Protein context (NP_000170.1, residues 113-133): HPFDGTFIRE[Lys123Asn]GKSVRVHVQF

ClinVar aggregate classification (germline): Conflicting classifications of pathogenicity. Review status: criteria provided, conflicting classifications (1 of 4 stars). 8 submissions from 8 submitters: Uncertain significance (6); Benign (1). 1 of the submissions does not count toward it. Last evaluated 2025-12-22.

Conditions:
Hereditary nonpolyposis colorectal neoplasms. Identifiers: MedGen C0009405, MeSH D003123.
Hereditary cancer-predisposing syndrome. Also called: Neoplastic Syndromes, Hereditary; Tumor predisposition; Hereditary Cancer Syndrome; Hereditary neoplastic syndrome. Identifiers: Orphanet 140162, MedGen C0027672, MeSH D009386, MONDO:0015356.
Lynch syndrome. Identifiers: Orphanet 144, MedGen C4552100, MONDO:0005835. Disease mechanism: loss of function.

Allele frequency attached by ClinVar (database versions not stated): gnomAD exomes below 0.00001.
gnomAD v4.1: 4 of 1,614,220 alleles (0.00025%); highest among the groups gnomAD compares: Non-Finnish European, 0.00034%; no homozygotes.

Submissions (8):

Labcorp Genetics (formerly Invitae), Labcorp
Classification: Benign for Hereditary nonpolyposis colorectal neoplasms. Last evaluated: 2025-12-22. Review status: criteria provided, single submitter. Criteria: Invitae Variant Classification Sherloc (09022015). Collection method: clinical testing. Allele origin: germline.

Color Diagnostics, LLC DBA Color Health
Classification: Uncertain significance for Hereditary cancer-predisposing syndrome. Last evaluated: 2025-06-11. Review status: criteria provided, single submitter. Criteria: ACMG Guidelines, 2015. Collection method: clinical testing. Allele origin: germline.
Comment: This missense variant replaces lysine with asparagine at codon 123 of the MSH6 protein. Computational prediction suggests that this variant may not impact protein structure and function. To our knowledge, functional studies have not been reported for this variant. This variant has been reported in an individual affected with familial colorectal cancer (PMID: 25559809). This variant has not been identified in the general population by the Genome Aggregation Database (gnomAD). The available evidence is insufficient to determine the role of this variant in disease conclusively. Therefore, this variant is classified as a Variant of Uncertain Significance.

Quest Diagnostics Nichols Institute San Juan Capistrano
Classification: Uncertain significance. Last evaluated: 2024-08-21. Review status: criteria provided, single submitter. Criteria: Quest Diagnostics criteria. Collection method: clinical testing. Allele origin: unknown.
Comment: The MSH6 c.369A>T (p.Lys123Asn) variant has been reported in the published literature in an individual with familial colorectal cancer (PMID: 25559809 (2015)). This variant has not been reported in large, multi-ethnic general populations (Genome Aggregation Database). Analysis of this variant using bioinformatics tools for the prediction of the effect of amino acid changes on protein structure and function yielded predictions that this variant is benign. Based on the available information, we are unable to determine the clinical significance of this variant.

Ambry Genetics
Classification: Uncertain significance for Hereditary cancer-predisposing syndrome. Last evaluated: 2024-03-09. Review status: criteria provided, single submitter. Criteria: Ambry Variant Classification Scheme 2023. Collection method: clinical testing. Allele origin: germline.
Comment: The p.K123N variant (also known as c.369A>T), located in coding exon 2 of the MSH6 gene, results from an A to T substitution at nucleotide position 369. The lysine at codon 123 is replaced by asparagine, an amino acid with similar properties. This amino acid position is not well conserved in available vertebrate species. In addition, this alteration is predicted to be tolerated by in silico analysis. Since supporting evidence is limited at this time, the clinical significance of this alteration remains unclear.

All of Us Research Program, National Institutes of Health
Classification: Uncertain significance for Lynch syndrome. Last evaluated: 2024-03-05. Review status: criteria provided, single submitter. Criteria: ACMG Guidelines, 2015. Collection method: clinical testing. Allele origin: germline. Inheritance: Autosomal dominant inheritance. Observed: 2 variant alleles, 2 heterozygotes.
Comment: This missense variant replaces lysine with asparagine at codon 123 of the MSH6 protein. Computational prediction suggests that this variant may not impact protein structure and function (internally defined REVEL score threshold <= 0.5, PMID: 27666373). To our knowledge, functional studies have not been reported for this variant. This variant has been reported in an individual affected with familial colorectal cancer (PMID: 25559809). This variant has not been identified in the general population by the Genome Aggregation Database (gnomAD). The available evidence is insufficient to determine the role of this variant in disease conclusively. Therefore, this variant is classified as a Variant of Uncertain Significance.

This study involves interpretation of variants in research participants for the purpose of population health screening. Participant phenotype was not available at the time of variant classification. Additional details can be found in publication PMID: 35346344, PMCID: PMC8962531

Women's Health and Genetics/Laboratory Corporation of America, LabCorp
Classification: Uncertain significance. Last evaluated: 2016-02-23. Review status: criteria provided, single submitter. Criteria: LabCorp Variant Classification Summary - May 2015. Collection method: clinical testing. Allele origin: germline.
Comment: Variant summary: This MSH6 variant affects a non-conserved nucleotide and results in a replacement of a large size and basic Lysine (K) with a medium size and polar Asparagine (N). Two in silico tools predict the variant to be benign and two predict deleterious outcome. The variant is absent from the large and broad cohorts of the ExAC project. It was observed in one CRC patient, however without strong evidence for pathogenicity (Chubb_JCO_2015). Functional studies assessing the functional impact of the variant on the protein were not published at the time of classification. Clinical laboratories via ClinVar classify variant as Uncertain significance (without evidence to independently evaluate). Due to the lack of strong clinical data or functional studies, the variant was classified as a variant of uncertain significance until more information becomes available.

GeneDx
Classification: Uncertain significance. Last evaluated: 2014-07-24. Review status: criteria provided, single submitter. Criteria: GeneDx Variant Classification (06012015). Collection method: clinical testing. Allele origin: germline. Affected: yes.
Comment: This variant is denoted MSH6 c.369A>T at the cDNA level, p.Lys123Asn (K123N) at the protein level, and results in the change of a Lysine to an Asparagine (AAA>AAT). This variant has not, to our knowledge, been published in the literature as pathogenic or benign. MSH6 Lys123Asn was not observed in approximately 6,500 individuals of European and African American ancestry in the NHLBI Exome Sequencing Project, indicating it is not a common benign variant in these populations. Since Lysine and Asparagine differ in some properties, this is considered a semi-conservative amino acid substitution. MSH6 Lys123Asn occurs at a position that is moderately conserved across species and is located within the PWWP domain (Terui 2013). In silico analyses are inconsistent regarding the effect this variant may have on protein structure and function. Based on currently available information, it is unclear whether MSH6 Lys123Asn is pathogenic or benign. We consider it to be a variant of uncertain significance.

Mayo Clinic Laboratories, Mayo Clinic
Classification: Uncertain significance. Review status: no assertion criteria provided. Collection method: research. Allele origin: unknown. Observed: 1 variant allele. Not counted in ClinVar's aggregate classification.

Literature cited by the submitters: PubMed 25559809 (cited by 5 submitters).